The following is an entry in ClinVar:

ClinVar aggregate classification (germline): Uncertain significance (1 of 4 stars; one submission).

gnomAD v4.1: 3 of 1,402,158 alleles (0.00021%); highest among the groups gnomAD compares: South Asian, 0.0037%; no homozygotes.

Submission:

Ambry Genetics
Classification: Uncertain significance. Last evaluated: 2025-10-14. Review status: criteria provided, single submitter. Criteria: Ambry Variant Classification Scheme 2023. Collection method: clinical testing. Allele origin: germline.
Comment: The p.P7T variant (also known as c.19C>A), located in coding exon 1 of the ATRIP gene, results from a C to A substitution at nucleotide position 19. The proline at codon 7 is replaced by threonine, an amino acid with highly similar properties. This amino acid position is conserved. In addition, this alteration is predicted to be tolerated by in silico analysis. Based on the available evidence, the clinical significance of this variant remains unclear.

NM_130384.3(ATRIP):c.19C>A (p.Pro7Thr)

Genes: ATRIP (ATR interacting protein; plus strand), ATRIP-TREX1 (ATRIP-TREX1 readthrough; plus strand), LOC129936703 (ATAC-STARR-seq lymphoblastoid silent region 14331; plus strand). Cytogenetic location: 3p21.31.
Variant type: single nucleotide variant.
Coding change: c.19C>A on transcript NM_130384.3 (MANE Select); coding-DNA position 19, C replaced by A.
Protein change: p.Pro7Thr; replaces proline 7 with threonine.
Molecular consequence: missense variant. On other transcripts: non-coding transcript variant (1), intron variant (1).
Genome position (GRCh38, 1-based): chr3:48,446,864, C>A. VCF-style: chr3-48446864-C-A. GRCh37 (hg19) VCF-style: chr3-48488268-C-A.
Other names: c.19C>A, p.Pro7Thr (NM_032166.4); c.-218+65C>A (NM_001271022.2); short protein forms P7T.
Identifiers: ClinVar variation 4644544 (VCV004644544.1).